The following is an entry in ClinVar:

ClinVar aggregate classification (germline): Uncertain significance. Review status: criteria provided, multiple submitters, no conflicts (2 of 4 stars). 2 submissions from 2 submitters: Uncertain significance (2). Last evaluated 2024-05-17.

Conditions:
Hereditary cancer-predisposing syndrome. Also called: Hereditary neoplastic syndrome; Hereditary Cancer Syndrome; Tumor predisposition; Neoplastic Syndromes, Hereditary. Identifiers: Orphanet 140162, MedGen C0027672, MeSH D009386, MONDO:0015356.

Submissions (2):

Ambry Genetics
Classification: Uncertain significance for Hereditary cancer-predisposing syndrome. Last evaluated: 2024-05-17. Review status: criteria provided, single submitter. Criteria: Ambry Variant Classification Scheme 2023. Collection method: clinical testing. Allele origin: germline.
Comment: The p.Q195R variant (also known as c.584A>G), located in coding exon 4 of the CTNNA1 gene, results from an A to G substitution at nucleotide position 584. The glutamine at codon 195 is replaced by arginine, an amino acid with highly similar properties. This amino acid position is conserved. In addition, this alteration is predicted to be deleterious by in silico analysis. Based on the available evidence, the clinical significance of this variant remains unclear.

Labcorp Genetics (formerly Invitae), Labcorp
Classification: Uncertain significance. Last evaluated: 2022-06-10. Review status: criteria provided, single submitter. Criteria: Invitae Variant Classification Sherloc (09022015). Collection method: clinical testing. Allele origin: germline.
Comment: In summary, the available evidence is currently insufficient to determine the role of this variant in disease. Therefore, it has been classified as a Variant of Uncertain Significance. Algorithms developed to predict the effect of missense changes on protein structure and function are either unavailable or do not agree on the potential impact of this missense change (SIFT: "Deleterious"; PolyPhen-2: "Probably Damaging"; Align-GVGD: "Class C0"). This variant has not been reported in the literature in individuals affected with CTNNA1-related conditions. This variant is not present in population databases (gnomAD no frequency). This sequence change replaces glutamine, which is neutral and polar, with arginine, which is basic and polar, at codon 195 of the CTNNA1 protein (p.Gln195Arg).

NM_001903.5(CTNNA1):c.584A>G (p.Gln195Arg)

Gene: CTNNA1 (catenin alpha 1; plus strand). Cytogenetic location: 5q31.2.
Variant type: single nucleotide variant.
Coding change: c.584A>G on transcript NM_001903.5 (MANE Select); coding-DNA position 584, A replaced by G.
Protein change: p.Gln195Arg; replaces glutamine 195 with arginine.
Molecular consequence: missense variant.
Genome position (GRCh38, 1-based): chr5:138,812,298, A>G. VCF-style: chr5-138812298-A-G. GRCh37 (hg19) VCF-style: chr5-138147987-A-G.
Other names: c.584A>G, p.Gln195Arg (NM_001290307.3, NM_001323982.2, NM_001323983.1 and 3 more transcripts); c.275A>G, p.Gln92Arg (NM_001290309.3); c.215A>G, p.Gln72Arg (NM_001290310.3); c.584A>G (NM_001903.2); short protein forms Q195R, Q72R, Q92R.
Identifiers: ClinVar variation 2004142 (VCV002004142.5), dbSNP rs2532349697, ClinGen allele CA361125705.